The following is an entry in ClinVar:

NM_000059.4(BRCA2):c.10090T>C (p.Ser3364Pro)

Gene: BRCA2 (BRCA2 DNA repair associated; plus strand). Cytogenetic location: 13q13.1.
Variant type: single nucleotide variant.
Coding change: c.10090T>C on transcript NM_000059.4 (MANE Select); coding-DNA position 10090, T replaced by C.
Protein change: p.Ser3364Pro; replaces serine 3364 with proline.
Molecular consequence: missense variant.
Genome position (GRCh38, 1-based): chr13:32,398,603, T>C. VCF-style: chr13-32398603-T-C. GRCh37 (hg19) VCF-style: chr13-32972740-T-C.
Other names: c.9994T>C, p.Ser3332Pro (NM_001406719.1); c.10039T>C, p.Ser3347Pro (NM_001406720.1); c.5158T>C, p.Ser1720Pro (NM_001406721.1); c.3673T>C, p.Ser1225Pro (NM_001406722.1); short protein forms S1225P, S3347P, S1720P, S3332P, S3364P.
Identifiers: ClinVar variation 2134402 (VCV002134402.4), dbSNP rs2137666470, ClinGen allele CA387767961.

ClinVar aggregate classification (germline): Uncertain significance (1 of 4 stars; one submission).

Conditions:
Hereditary breast ovarian cancer syndrome. Also called: Hereditary breast and ovarian cancer; Hereditary breast and/or ovarian cancer syndrome; Hereditary breast and ovarian cancer syndrome (HBOC); Breast and ovarian cancer; Hereditary breast and ovarian cancer syndrome; BRCA1- and BRCA2-Associated Hereditary Breast and Ovarian Cancer. Identifiers: Orphanet 145, MedGen C0677776, MeSH D061325, MONDO:0003582. Disease mechanism: loss of function.

Allele frequency attached by ClinVar (database versions not stated): gnomAD exomes 0.00001.
gnomAD v4.1: 8 of 1,613,904 alleles (0.0005%); highest among the groups gnomAD compares: Non-Finnish European, 0.00068%; no homozygotes.

Submission:

Labcorp Genetics (formerly Invitae), Labcorp
Classification: Uncertain significance for Hereditary breast ovarian cancer syndrome. Last evaluated: 2023-08-20. Review status: criteria provided, single submitter. Criteria: Invitae Variant Classification Sherloc (09022015). Collection method: clinical testing. Allele origin: germline.
Comment: This sequence change replaces serine, which is neutral and polar, with proline, which is neutral and non-polar, at codon 3364 of the BRCA2 protein (p.Ser3364Pro). This variant is not present in population databases (gnomAD no frequency). This variant has not been reported in the literature in individuals affected with BRCA2-related conditions. ClinVar contains an entry for this variant (Variation ID: 2134402). Advanced modeling of protein sequence and biophysical properties (such as structural, functional, and spatial information, amino acid conservation, physicochemical variation, residue mobility, and thermodynamic stability) performed at Invitae indicates that this missense variant is not expected to disrupt BRCA2 protein function. In summary, the available evidence is currently insufficient to determine the role of this variant in disease. Therefore, it has been classified as a Variant of Uncertain Significance.